The following is an entry in ClinVar:

ClinVar aggregate classification (germline): Uncertain significance (1 of 4 stars; one submission).

Conditions:
Baller-Gerold syndrome (BGS). Also called: CRANIOSYNOSTOSIS WITH RADIAL DEFECTS. Identifiers: Orphanet 1225, MedGen C0265308, MONDO:0009039, OMIM 218600.

Allele frequency attached by ClinVar (database versions not stated): gnomAD exomes below 0.00001; TOPMed below 0.00001.
gnomAD v4.1: 2 of 1,611,342 alleles (0.00012%); highest among the groups gnomAD compares: Non-Finnish European, 0.00017%; no homozygotes.

Submission:

Labcorp Genetics (formerly Invitae), Labcorp
Classification: Uncertain significance for Baller-Gerold syndrome. Last evaluated: 2020-03-18. Review status: criteria provided, single submitter. Criteria: Invitae Variant Classification Sherloc (09022015). Collection method: clinical testing. Allele origin: germline.
Comment: In summary, the available evidence is currently insufficient to determine the role of this variant in disease. Therefore, it has been classified as a Variant of Uncertain Significance. Algorithms developed to predict the effect of missense changes on protein structure and function output the following: SIFT: "Tolerated"; PolyPhen-2: "Benign"; Align-GVGD: "Class C0". The glutamic acid amino acid residue is found in multiple mammalian species, suggesting that this missense change does not adversely affect protein function. These predictions have not been confirmed by published functional studies and their clinical significance is uncertain. This variant has not been reported in the literature in individuals with RECQL4-related conditions. This variant is not present in population databases (ExAC no frequency). This sequence change replaces glutamine with glutamic acid at codon 1123 of the RECQL4 protein (p.Gln1123Glu). The glutamine residue is moderately conserved and there is a small physicochemical difference between glutamine and glutamic acid.

NM_004260.4(RECQL4):c.3367C>G (p.Gln1123Glu)

Gene: RECQL4 (RecQ like helicase 4; minus strand). Cytogenetic location: 8q24.3.
Variant type: single nucleotide variant.
Coding change: c.3367C>G on transcript NM_004260.4 (MANE Select); coding-DNA position 3367, C replaced by G.
Protein change: p.Gln1123Glu; replaces glutamine 1123 with glutamic acid.
Molecular consequence: missense variant.
Genome position (GRCh38, 1-based): chr8:144,511,937, G>C on the plus strand (C>G on the coding strand, the complement: RECQL4 is on the minus strand). VCF-style: chr8-144511937-G-C. GRCh37 (hg19) VCF-style: chr8-145737320-G-C.
Other names: short protein forms Q1123E.
Identifiers: ClinVar variation 965694 (VCV000965694.5), dbSNP rs995015088, ClinGen allele CA187679000.